The following is an entry in ClinVar:

NM_001350814.2(GRB10):c.171C>T (p.Asn57=)

Gene: GRB10 (growth factor receptor bound protein 10; minus strand). Cytogenetic location: 7p12.1.
Variant type: single nucleotide variant.
Coding change: c.171C>T on transcript NM_001350814.2 (MANE Select); coding-DNA position 171, C replaced by T.
Protein change: p.Asn57=; no amino-acid change (asparagine 57 retained).
Molecular consequence: synonymous variant. On other transcripts: 5 prime UTR variant (4).
Genome position (GRCh38, 1-based): chr7:50,674,627, G>A on the plus strand (C>T on the coding strand, the complement: GRB10 is on the minus strand). VCF-style: chr7-50674627-G-A. GRCh37 (hg19) VCF-style: chr7-50742324-G-A.
Other names: c.171C>T, p.Asn57= (NM_001001549.3); c.-4C>T (NM_001001550.3, NM_001001555.3, NM_001350816.3 and 1 more transcripts); c.285C>T, p.Asn95= (NM_001350815.2); c.318C>T, p.Asn106= (NM_001371009.1).
Identifiers: ClinVar variation 3033864 (VCV003033864.2), dbSNP rs370148252, ClinGen allele CA4263035.

ClinVar aggregate classification (germline): Likely benign (0 of 4 stars; one submission).

Conditions:
GRB10-related disorder. Also called: GRB10-related condition.

Allele frequency attached by ClinVar (database versions not stated): ExAC 0.00007; gnomAD exomes 0.00010; ESP Exome Variant Server 0.00024; gnomAD 0.00024; TOPMed 0.00039.

Submission:

PreventionGenetics, part of Exact Sciences
Classification: Likely benign for GRB10-related condition. Last evaluated: 2019-06-19. Review status: no assertion criteria provided. Collection method: clinical testing. Allele origin: germline.
Comment: This variant is classified as likely benign based on ACMG/AMP sequence variant interpretation guidelines (Richards et al. 2015 PMID: 25741868, with internal and published modifications).